The following is an entry in ClinVar:

NM_000268.4(NF2):c.1315A>C (p.Lys439Gln)

Gene: NF2 (NF2, moesin-ezrin-radixin like (MERLIN) tumor suppressor; plus strand). Cytogenetic location: 22q12.2.
Variant type: single nucleotide variant.
Coding change: c.1315A>C on transcript NM_000268.4 (MANE Select); coding-DNA position 1315, A replaced by C.
Protein change: p.Lys439Gln; replaces lysine 439 with glutamine.
Molecular consequence: missense variant. On other transcripts: non-coding transcript variant (1), intron variant (1).
Genome position (GRCh38, 1-based): chr22:29,673,461, A>C. VCF-style: chr22-29673461-A-C. GRCh37 (hg19) VCF-style: chr22-30069450-A-C.
Other names: c.1201A>C, p.Lys401Gln (NM_001407053.1, NM_001407056.1); c.1192A>C, p.Lys398Gln (NM_001407054.1, NM_001407058.1, NM_181829.3); c.1189A>C, p.Lys397Gln (NM_001407055.1, NM_181828.3); c.1180A>C, p.Lys394Gln (NM_001407057.1, NM_001407059.1); c.1315A>C, p.Lys439Gln (NM_001407060.1, NM_001407066.1, NM_016418.5 and 2 more transcripts); c.1057A>C, p.Lys353Gln (NM_001407062.1); c.1066A>C, p.Lys356Gln (NM_001407063.1, NM_001407064.1, NM_181830.3 and 1 more transcripts); c.781A>C, p.Lys261Gln (NM_001407065.1); and 2 more; short protein forms K353Q, K394Q, K397Q, K261Q, K362Q, K398Q, K401Q, K439Q.
Identifiers: ClinVar variation 1769774 (VCV001769774.2), dbSNP rs2518682129, ClinGen allele CA411148641.

ClinVar aggregate classification (germline): Uncertain significance (1 of 4 stars; one submission).

Conditions:
Hereditary cancer-predisposing syndrome. Also called: Hereditary Cancer Syndrome; Hereditary neoplastic syndrome; Neoplastic Syndromes, Hereditary; Tumor predisposition. Identifiers: Orphanet 140162, MedGen C0027672, MeSH D009386, MONDO:0015356.

Submission:

Ambry Genetics
Classification: Uncertain significance for Hereditary cancer-predisposing syndrome. Last evaluated: 2022-05-12. Review status: criteria provided, single submitter. Criteria: Ambry Variant Classification Scheme 2023. Collection method: clinical testing. Allele origin: germline.
Comment: The p.K439Q variant (also known as c.1315A>C), located in coding exon 12 of the NF2 gene, results from an A to C substitution at nucleotide position 1315. The lysine at codon 439 is replaced by glutamine, an amino acid with similar properties. This amino acid position is conserved. In addition, this alteration is predicted to be tolerated by in silico analysis. Since supporting evidence is limited at this time, the clinical significance of this alteration remains unclear.